The following is an entry in ClinVar:

NM_001128840.3(CACNA1D):c.4154G>A (p.Arg1385Lys)

Gene: CACNA1D (calcium voltage-gated channel subunit alpha1 D; plus strand). Cytogenetic location: 3p21.1.
Variant type: single nucleotide variant.
Coding change: c.4154G>A on transcript NM_001128840.3 (MANE Select); coding-DNA position 4154, G replaced by A.
Protein change: p.Arg1385Lys; replaces arginine 1385 with lysine.
Molecular consequence: missense variant.
Genome position (GRCh38, 1-based): chr3:53,774,630, G>A. VCF-style: chr3-53774630-G-A. GRCh37 (hg19) VCF-style: chr3-53808657-G-A.
Other names: c.4214G>A, p.Arg1405Lys (NM_000720.4); c.4109G>A, p.Arg1370Lys (NM_001128839.3); short protein forms R1370K, R1385K, R1405K.
Identifiers: ClinVar variation 4797807 (VCV004797807.1).
Genomic context (GRCh38, chr3:53,774,630, plus strand): 5'-ACAACTTCTCCACCTAGATGTTTGGGAAAGTTGCCATGAGAGATAACAACCAGATCAATA[G>A]GAACAATAACTTCCAGACGTTTCCCCAGGCGGTGCTGCTGCTCTTCAGGTGACTGCAACT-3'
Protein context (NP_001122312.1, residues 1375-1395): VAMRDNNQIN[Arg1385Lys]NNNFQTFPQA

ClinVar aggregate classification (germline): Uncertain significance (1 of 4 stars; one submission).

gnomAD v4.1: 3 of 1,613,062 alleles (0.00019%); highest among the groups gnomAD compares: South Asian, 0.0033%; no homozygotes.

Submission:

Labcorp Genetics (formerly Invitae), Labcorp
Classification: Uncertain significance. Last evaluated: 2025-03-20. Review status: criteria provided, single submitter. Criteria: Invitae Variant Classification Sherloc (09022015). Collection method: clinical testing. Allele origin: germline.
Comment: This sequence change replaces arginine, which is basic and polar, with lysine, which is basic and polar, at codon 1405 of the CACNA1D protein (p.Arg1405Lys). This variant is present in population databases (rs548326759, gnomAD 0.006%). This variant has not been reported in the literature in individuals affected with CACNA1D-related conditions. Invitae Evidence Modeling of protein sequence and biophysical properties (such as structural, functional, and spatial information, amino acid conservation, physicochemical variation, residue mobility, and thermodynamic stability) indicates that this missense variant is not expected to disrupt CACNA1D protein function with a negative predictive value of 80%. In summary, the available evidence is currently insufficient to determine the role of this variant in disease. Therefore, it has been classified as a Variant of Uncertain Significance.